The following is an entry in ClinVar:

ClinVar aggregate classification (germline): Uncertain significance. Review status: criteria provided, multiple submitters, no conflicts (2 of 4 stars). 2 submissions from 2 submitters: Uncertain significance (2). Last evaluated 2025-07-30.

gnomAD v4.1: 5 of 1,604,572 alleles (0.00031%); highest among the groups gnomAD compares: East Asian, 0.0045%; no homozygotes.

Submissions (2):

Labcorp Genetics (formerly Invitae), Labcorp
Classification: Uncertain significance. Last evaluated: 2025-07-30. Review status: criteria provided, single submitter. Criteria: Invitae Variant Classification Sherloc (09022015). Collection method: clinical testing. Allele origin: germline.
Comment: This sequence change replaces aspartic acid, which is acidic and polar, with histidine, which is basic and polar, at codon 141 of the PNPLA8 protein (p.Asp141His). This variant is present in population databases (no rsID available, gnomAD 0.006%). This variant has not been reported in the literature in individuals affected with PNPLA8-related conditions. An algorithm developed to predict the effect of missense changes on protein structure and function (PolyPhen-2) suggests that this variant is likely to be disruptive. In summary, the available evidence is currently insufficient to determine the role of this variant in disease. Therefore, it has been classified as a Variant of Uncertain Significance.

Mayo Clinic Laboratories, Mayo Clinic
Classification: Uncertain significance. Last evaluated: 2025-07-16. Review status: criteria provided, single submitter. Criteria: ACMG Guidelines, 2015. Collection method: clinical testing. Allele origin: germline. Observed: 1 variant allele.

NM_001256007.3(PNPLA8):c.421G>C (p.Asp141His)

Gene: PNPLA8 (patatin like domain 8, phospholipase A2; minus strand). Cytogenetic location: 7q31.1.
Variant type: single nucleotide variant.
Coding change: c.421G>C on transcript NM_001256007.3 (MANE Select); coding-DNA position 421, G replaced by C.
Protein change: p.Asp141His; replaces aspartic acid 141 with histidine.
Molecular consequence: missense variant.
Genome position (GRCh38, 1-based): chr7:108,515,071, C>G on the plus strand (G>C on the coding strand, the complement: PNPLA8 is on the minus strand). VCF-style: chr7-108515071-C-G. GRCh37 (hg19) VCF-style: chr7-108155515-C-G.
Other names: p.Asp141His; c.421G>C, p.Asp141His (NM_001256008.3, NM_001256009.3, NM_015723.5); c.121G>C, p.Asp41His (NM_001256010.3, NM_001256011.3); short protein forms D41H, D141H.
Identifiers: ClinVar variation 4541325 (VCV004541325.2).
Genomic context (GRCh38, chr7:108,515,071, plus strand): 5'-TATATTTTTTCAGAGATTTGATGGCTTGTTTGATGTTTTTCTGTTTTAACCAGCCACTAT[C>G]CGATACTTTTCTTAAAATTTGGGAACTTGGCTTAAATTGAGCTAAACGTGAAATCATTTC-3'
Protein context (NP_001242936.1, residues 131-151): PSSQILRKVS[Asp141His]SGWLKQKNIK